The following is an entry in ClinVar:

ClinVar aggregate classification (germline): Uncertain significance. Review status: criteria provided, multiple submitters, no conflicts (2 of 4 stars). 2 submissions from 2 submitters: Uncertain significance (2). Last evaluated 2023-06-01.

Conditions:
Charcot-Marie-Tooth disease type 2. Also called: Charcot-Marie-Tooth type 2. Identifiers: Orphanet 64746, MedGen C0270914, MONDO:0018993.

Allele frequency attached by ClinVar (database versions not stated): gnomAD exomes below 0.00001; ExAC 0.00001.
gnomAD v4.1: 3 of 1,613,908 alleles (0.00019%); highest among the groups gnomAD compares: South Asian, 0.0011%; no homozygotes.

Submissions (2):

CeGaT Center for Human Genetics Tuebingen
Classification: Uncertain significance. Last evaluated: 2023-06-01. Review status: criteria provided, single submitter. Criteria: CeGaT Center For Human Genetics Tuebingen Variant Classification Criteria Version 2. Collection method: clinical testing. Allele origin: germline. Affected: yes. Observed: 1 variant allele.
Comment: MFN2: PM2, BP4

Labcorp Genetics (formerly Invitae), Labcorp
Classification: Uncertain significance for Charcot-Marie-Tooth disease type 2. Last evaluated: 2021-10-28. Review status: criteria provided, single submitter. Criteria: Invitae Variant Classification Sherloc (09022015). Collection method: clinical testing. Allele origin: germline.
Comment: Variants that disrupt the consensus splice site are a relatively common cause of aberrant splicing (PMID: 17576681, 9536098). Algorithms developed to predict the effect of sequence changes on RNA splicing suggest that this variant is not likely to affect RNA splicing. This variant has not been reported in the literature in individuals affected with MFN2-related conditions. This variant is not present in population databases (gnomAD no frequency). This sequence change falls in intron 12 of the MFN2 gene. It does not directly change the encoded amino acid sequence of the MFN2 protein. It affects a nucleotide within the consensus splice site. In summary, the available evidence is currently insufficient to determine the role of this variant in disease. Therefore, it has been classified as a Variant of Uncertain Significance.

Literature cited by the submitters: PubMed 17576681 (cited by Labcorp Genetics (formerly Invitae), Labcorp); PubMed 9536098 (cited by Labcorp Genetics (formerly Invitae), Labcorp).

NM_014874.4(MFN2):c.1287+6A>G

Gene: MFN2 (mitofusin 2; plus strand). Cytogenetic location: 1p36.22.
Variant type: single nucleotide variant.
Coding change: c.1287+6A>G on transcript NM_014874.4 (MANE Select); 6 bases into the intron after coding-DNA position 1287, A replaced by G.
Molecular consequence: intron variant.
Genome position (GRCh38, 1-based): chr1:12,004,124, A>G. VCF-style: chr1-12004124-A-G. GRCh37 (hg19) VCF-style: chr1-12064181-A-G.
Other names: c.1287+6A>G (NM_001127660.2).
Identifiers: ClinVar variation 1398680 (VCV001398680.32), dbSNP rs778274550, ClinGen allele CA599063.
Genomic context (GRCh38, chr1:12,004,124, plus strand): 5'-GGCTCAAGACTATAAGCTGCGAATTAAGCAGATTACGGAGGAAGTGGAGAGGCAGGTGAG[A>G]AATGAGGAGGAGGCATTCTGGGAAGATTTGGACTCCGAGTAGAGTCCAGAAGAAAGCAGA-3'